The following is an entry in ClinVar:

NM_003213.4(TEAD4):c.1266C>T (p.His422=)

Gene: TEAD4 (TEA domain transcription factor 4; plus strand). Cytogenetic location: 12p13.33.
Variant type: single nucleotide variant.
Coding change: c.1266C>T on transcript NM_003213.4 (MANE Select); coding-DNA position 1266, C replaced by T.
Protein change: p.His422=; no amino-acid change (histidine 422 retained).
Molecular consequence: synonymous variant.
Genome position (GRCh38, 1-based): chr12:3,040,439, C>T. VCF-style: chr12-3040439-C-T. GRCh37 (hg19) VCF-style: chr12-3149605-C-T.
Other names: c.1137C>T, p.His379= (NM_201441.3); c.879C>T, p.His293= (NM_201443.3).
Identifiers: ClinVar variation 2642577 (VCV002642577.24), dbSNP rs35927536, ClinGen allele CA6393436.
Genomic context (GRCh38, chr12:3,040,439, plus strand): 5'-AGACACACAGGAGACCTTGCTGTGCATTGCCTATGTCTTTGAGGTGTCAGCCAGTGAGCA[C>T]GGGGCTCAGCACCACATCTACAGGCTGGTGAAAGAATGAGAGACTCGGGGAGCAGGGAGG-3'
Protein context (NP_003204.2, residues 412-432): AYVFEVSASE[His422=]GAQHHIYRLV

ClinVar aggregate classification (germline): Likely benign (1 of 4 stars; one submission).

Allele frequency attached by ClinVar (database versions not stated): gnomAD exomes 0.00028; ExAC 0.00078; gnomAD 0.00191; TOPMed 0.00211; 1000 Genomes Project 0.00240; ESP Exome Variant Server 0.00254; 1000 Genomes Project 30x 0.00312.
gnomAD v4.1: 727 of 1,614,040 alleles (0.045%); highest among the groups gnomAD compares: African/African-American, 0.62%; 1 homozygote.

Submission:

CeGaT Center for Human Genetics Tuebingen
Classification: Likely benign. Last evaluated: 2022-08-01. Review status: criteria provided, single submitter. Criteria: CeGaT Center For Human Genetics Tuebingen Variant Classification Criteria Version 2. Collection method: clinical testing. Allele origin: germline. Affected: yes. Observed: 1 variant allele.
Comment: TEAD4: BP4, BP7